The following is an entry in ClinVar:

ClinVar aggregate classification (germline): Likely pathogenic (1 of 4 stars; one submission).

Submission:

CeGaT Center for Human Genetics Tuebingen
Classification: Likely pathogenic. Last evaluated: 2023-04-01. Review status: criteria provided, single submitter. Criteria: CeGaT Center For Human Genetics Tuebingen Variant Classification Criteria Version 2. Collection method: clinical testing. Allele origin: germline. Affected: yes. Observed: 1 variant allele.
Comment: MYORG: PVS1:Strong, PM2, PM3:Supporting

NM_020702.5(MYORG):c.609del (p.Gln203fs)

Gene: MYORG (myogenesis regulating glycosidase; minus strand). Cytogenetic location: 9p13.3.
Variant type: Deletion.
Coding change: c.609del on transcript NM_020702.5 (MANE Select); coding-DNA position 609, one base deleted (G; older notation c.609delG).
Protein change: p.Gln203fs; shifts the reading frame from glutamine 203.
Molecular consequence: frameshift variant.
Genome position (GRCh38, 1-based): chr9:34,372,335, C deleted on the plus strand (G on the coding strand, the reverse complement: MYORG is on the minus strand). VCF-style (leftmost placement, unchanged base first): chr9-34372334-GC-G. GRCh37 (hg19) VCF-style: chr9-34372332-GC-G.
Other names: short protein forms Q203fs.
Identifiers: ClinVar variation 2659158 (VCV002659158.24), dbSNP rs2491656326, ClinGen allele CA2695201549.